The following is an entry in ClinVar:

NM_000552.5(VWF):c.7301G>A (p.Arg2434Gln)

Gene: VWF (von Willebrand factor; minus strand). Cytogenetic location: 12p13.31.
Variant type: single nucleotide variant.
Coding change: c.7301G>A on transcript NM_000552.5 (MANE Select); coding-DNA position 7301, G replaced by A.
Protein change: p.Arg2434Gln; replaces arginine 2434 with glutamine.
Molecular consequence: missense variant.
Genome position (GRCh38, 1-based): chr12:5,976,247, C>T on the plus strand (G>A on the coding strand, the complement: VWF is on the minus strand). VCF-style: chr12-5976247-C-T. GRCh37 (hg19) VCF-style: chr12-6085413-C-T.
Other names: c.7301G>A (NM_000552.4); short protein forms R2434Q.
Identifiers: ClinVar variation 2602718 (VCV002602718.3), dbSNP rs370600984, ClinGen allele CA6401706.

ClinVar aggregate classification (germline): Uncertain significance. Review status: criteria provided, multiple submitters, no conflicts (2 of 4 stars). 2 submissions from 2 submitters: Uncertain significance (2). Last evaluated 2023-09-06.

Conditions:
Inborn genetic diseases. Identifiers: MedGen C0950123, MeSH D030342.

Allele frequency attached by ClinVar (database versions not stated): gnomAD exomes below 0.00001; ExAC 0.00003; gnomAD 0.00003; TOPMed 0.00004; ESP Exome Variant Server 0.00008.
gnomAD v4.1: 10 of 1,613,988 alleles (0.00062%); highest among the groups gnomAD compares: African/African-American, 0.008%; no homozygotes.

Submissions (2):

Quest Diagnostics Nichols Institute San Juan Capistrano
Classification: Uncertain significance. Last evaluated: 2023-09-06. Review status: criteria provided, single submitter. Criteria: Quest Diagnostics criteria. Collection method: clinical testing. Allele origin: unknown.
Comment: To the best of our knowledge, this variant has not been reported in the published literature. The frequency of this variant in the general population, 0.00025 (4/16256 chromosomes (Genome Aggregation Database)), is uninformative in the assessment of its pathogenicity. Analysis of this variant using bioinformatics tools for the prediction of the effect of amino acid changes on protein structure and function yielded predictions that this variant is benign. Based on the available information, we are unable to determine the clinical significance of this variant.

Ambry Genetics
Classification: Uncertain significance for Inborn genetic diseases. Last evaluated: 2023-07-12. Review status: criteria provided, single submitter. Criteria: Ambry Variant Classification Scheme 2023. Collection method: clinical testing. Allele origin: germline.